The following is an entry in ClinVar:

ClinVar aggregate classification (germline): Uncertain significance (1 of 4 stars; one submission).

Conditions:
PCSK1-related disorder. Also called: PCSK1-related condition.

Submission:

PreventionGenetics, part of Exact Sciences
Classification: Uncertain significance for PCSK1-related condition. Last evaluated: 2025-03-14. Review status: criteria provided, single submitter. Criteria: ACMG Guidelines, 2015. Collection method: clinical testing. Allele origin: germline.
Comment: The PCSK1 c.917C>T variant is predicted to result in the amino acid substitution p.Ala306Val. In vitro functional studies showed strong evidence of loss of function (Supplemental Data Set, Shah et al. 2023. PubMed ID: 36864747). To our knowledge, this variant has not been reported in a large population database (gnomAD), indicating this variant is rare. At this time, the clinical significance of this variant is uncertain due to the absence of conclusive functional and genetic evidence.

NM_000439.5(PCSK1):c.917C>T (p.Ala306Val)

Genes: CAST (calpastatin; plus strand), PCSK1 (proprotein convertase subtilisin/kexin type 1; minus strand), LOC101929710 (uncharacterized LOC101929710; plus strand). Cytogenetic location: 5q15.
Variant type: single nucleotide variant.
Coding change: c.917C>T on transcript NM_000439.5 (MANE Select); coding-DNA position 917, C replaced by T.
Protein change: p.Ala306Val; replaces alanine 306 with valine.
Molecular consequence: missense variant. On other transcripts: intron variant (11).
Genome position (GRCh38, 1-based): chr5:96,410,952, G>A on the plus strand (C>T on the coding strand, the complement: PCSK1 is on the minus strand). VCF-style: chr5-96410952-G-A. GRCh37 (hg19) VCF-style: chr5-95746656-G-A.
Other names: c.776C>T, p.Ala259Val (NM_001177875.2); c.-175+31300G>A (NM_001423254.1, NM_001423259.1, NM_001423255.1 and 6 more transcripts); c.-103+31300G>A (NM_001423253.1); c.-40+31300G>A (NM_001423258.1); short protein forms A259V, A306V.
Identifiers: ClinVar variation 5002557 (VCV005002557.1).